The following is an entry in ClinVar:

ClinVar aggregate classification (germline): Uncertain significance. Review status: criteria provided, multiple submitters, no conflicts (2 of 4 stars). 4 submissions from 4 submitters: Uncertain significance (3). 1 of the submissions does not count toward it. Last evaluated 2024-05-24.

Conditions:
CEP290-related disorder. Also called: CEP290-related disorders; CEP290-related condition. Identifiers: MedGen CN239314.
Joubert syndrome. Also called: CEREBELLOPARENCHYMAL DISORDER IV; JOUBERT-BOLTSHAUSER SYNDROME; Familial aplasia of the vermis. Identifiers: Orphanet 475, MedGen C5979921, MONDO:0018772.
Nephronophthisis. Also called: Juvenile Nephronophthisis. Identifiers: Orphanet 655, MedGen C0687120, MONDO:0019005, HP:0000090.
Meckel-Gruber syndrome. Also called: DYSENCEPHALIA SPLANCHNOCYSTICA; GRUBER SYNDROME; Dysencephalia splachnocystica. Identifiers: Orphanet 564, MedGen C0265215, MONDO:0018921.
Joubert syndrome 5 (JBTS5). Identifiers: Orphanet 2318, MedGen C1857780, MONDO:0012432, OMIM 610188.
Senior-Loken syndrome 6 (SLSN6). Identifiers: Orphanet 3156, MedGen C1857779, MONDO:0012433, OMIM 610189.
Meckel syndrome, type 4 (MKS4). Also called: MECKEL-GRUBER SYNDROME, TYPE 4. Identifiers: Orphanet 564, MedGen C1970161, MONDO:0012626, OMIM 611134.
Leber congenital amaurosis 10 (LCA10). Identifiers: Orphanet 65, MedGen C1857821, MONDO:0012723, OMIM 611755.
Bardet-Biedl syndrome 14 (BBS14). Identifiers: Orphanet 110, MedGen C2673874, MONDO:0014442, OMIM 615991.

Allele frequency attached by ClinVar (database versions not stated): gnomAD exomes 0.00001 and 0.00002.
gnomAD v4.1: 21 of 1,547,538 alleles (0.0014%); highest among the groups gnomAD compares: South Asian, 0.0025%; no homozygotes.

Submissions (4):

Fulgent Genetics
Classification: Uncertain significance for Joubert syndrome 5; Senior-Loken syndrome 6; Meckel syndrome, type 4; Leber congenital amaurosis 10; Bardet-Biedl syndrome 14. Last evaluated: 2024-05-24. Review status: criteria provided, single submitter. Criteria: ACMG Guidelines, 2015. Collection method: clinical testing. Allele origin: germline.

Labcorp Genetics (formerly Invitae), Labcorp
Classification: Uncertain significance for Joubert syndrome; Meckel-Gruber syndrome; Nephronophthisis. Last evaluated: 2022-10-05. Review status: criteria provided, single submitter. Criteria: Invitae Variant Classification Sherloc (09022015). Collection method: clinical testing. Allele origin: germline.
Comment: This sequence change replaces alanine, which is neutral and non-polar, with threonine, which is neutral and polar, at codon 2287 of the CEP290 protein (p.Ala2287Thr). The frequency data for this variant in the population databases is considered unreliable, as metrics indicate poor data quality at this position in the gnomAD database. This variant has not been reported in the literature in individuals affected with CEP290-related conditions. ClinVar contains an entry for this variant (Variation ID: 1306789). Algorithms developed to predict the effect of missense changes on protein structure and function (SIFT, PolyPhen-2, Align-GVGD) all suggest that this variant is likely to be tolerated. In summary, the available evidence is currently insufficient to determine the role of this variant in disease. Therefore, it has been classified as a Variant of Uncertain Significance.

GeneDx
Classification: Uncertain significance. Last evaluated: 2019-07-02. Review status: criteria provided, single submitter. Criteria: GeneDx Variant Classification Process June 2021. Collection method: clinical testing. Allele origin: germline. Affected: yes.
Comment: Not observed at a significant frequency in large population cohorts (Lek et al., 2016); In silico analysis, which includes protein predictors and evolutionary conservation, supports that this variant does not alter protein structure/function; Has not been previously published as pathogenic or benign to our knowledge

PreventionGenetics, part of Exact Sciences
Classification: Uncertain significance for CEP290-related condition. Last evaluated: 2023-12-05. Review status: no assertion criteria provided. Collection method: clinical testing. Allele origin: germline. Not counted in ClinVar's aggregate classification.
Comment: The CEP290 c.6859G>A variant is predicted to result in the amino acid substitution p.Ala2287Thr. To our knowledge, this variant has not been reported in the literature. This variant is reported in 0.0014% of alleles in individuals of European (Non-Finnish) descent in gnomAD. At this time, the clinical significance of this variant is uncertain due to the absence of conclusive functional and genetic evidence.

NM_025114.4(CEP290):c.6859G>A (p.Ala2287Thr)

Gene: CEP290 (centrosomal protein 290; minus strand). Cytogenetic location: 12q21.32.
Variant type: single nucleotide variant.
Coding change: c.6859G>A on transcript NM_025114.4 (MANE Select); coding-DNA position 6859, G replaced by A.
Protein change: p.Ala2287Thr; replaces alanine 2287 with threonine.
Molecular consequence: missense variant.
Genome position (GRCh38, 1-based): chr12:88,055,677, C>T on the plus strand (G>A on the coding strand, the complement: CEP290 is on the minus strand). VCF-style: chr12-88055677-C-T. GRCh37 (hg19) VCF-style: chr12-88449454-C-T.
Other names: short protein forms A2287T.
Identifiers: ClinVar variation 1306789 (VCV001306789.7), dbSNP rs1212611161, ClinGen allele CA385976596.
Genomic context (GRCh38, chr12:88,055,677, plus strand): 5'-CTCTCTCTGTTGCTTCTTTTACAAGCTGTTTAAGGTCAGTAATGCTTTGATTTTTTTTGG[C>T]AATATCAGTTTCCAATTCTTTTAACTTGGTTTCATACATTCTAAAAGTATAAGGAAAAAA-3'
Protein context (NP_079390.3, residues 2277-2297): TKLKELETDI[Ala2287Thr]KKNQSITDLK